The following is an entry in ClinVar:

NM_032043.3(BRIP1):c.473A>C (p.Lys158Thr)

Gene: BRIP1 (BRCA1 interacting DNA helicase 1; minus strand). Cytogenetic location: 17q23.2.
Variant type: single nucleotide variant.
Coding change: c.473A>C on transcript NM_032043.3 (MANE Select); coding-DNA position 473, A replaced by C.
Protein change: p.Lys158Thr; replaces lysine 158 with threonine.
Molecular consequence: missense variant.
Genome position (GRCh38, 1-based): chr17:61,849,163, T>G on the plus strand (A>C on the coding strand, the complement: BRIP1 is on the minus strand). VCF-style: chr17-61849163-T-G. GRCh37 (hg19) VCF-style: chr17-59926524-T-G.
Other names: short protein forms K158T.
Identifiers: ClinVar variation 4216279 (VCV004216279.2).

ClinVar aggregate classification (germline): Uncertain significance. Review status: criteria provided, multiple submitters, no conflicts (2 of 4 stars). 2 submissions from 2 submitters: Uncertain significance (2). Last evaluated 2025-08-20.

Conditions:
Hereditary cancer-predisposing syndrome. Also called: Neoplastic Syndromes, Hereditary; Tumor predisposition; Hereditary Cancer Syndrome; Hereditary neoplastic syndrome. Identifiers: Orphanet 140162, MedGen C0027672, MeSH D009386, MONDO:0015356.
Fanconi anemia complementation group J. Also called: BRIP1-Related Fanconi Anemia. Identifiers: Orphanet 84, MedGen C1836860, MONDO:0012187, OMIM 609054.
Familial cancer of breast. Also called: Hereditary breast cancer; hereditary breast carcinoma; BREAST CANCER, FAMILIAL. Identifiers: Orphanet 227535, MedGen C0346153, MONDO:0016419, OMIM 114480. Disease mechanism: loss of function.

gnomAD v4.1: 1 of 1,613,590 alleles (0.000062%); highest among the groups gnomAD compares: Non-Finnish European, 0.000085%; no homozygotes.

Submissions (2):

Ambry Genetics
Classification: Uncertain significance for Hereditary cancer-predisposing syndrome. Last evaluated: 2025-08-20. Review status: criteria provided, single submitter. Criteria: Ambry Variant Classification Scheme 2023. Collection method: clinical testing. Allele origin: germline.
Comment: The p.K158T variant (also known as c.473A>C), located in coding exon 4 of the BRIP1 gene, results from an A to C substitution at nucleotide position 473. The lysine at codon 158 is replaced by threonine, an amino acid with similar properties. This amino acid position is conserved. In addition, this alteration is predicted to be tolerated by in silico analysis. Based on the available evidence, the clinical significance of this variant remains unclear.

Labcorp Genetics (formerly Invitae), Labcorp
Classification: Uncertain significance for Familial cancer of breast; Fanconi anemia complementation group J. Last evaluated: 2025-03-09. Review status: criteria provided, single submitter. Criteria: Invitae Variant Classification Sherloc (09022015). Collection method: clinical testing. Allele origin: germline.
Comment: This sequence change replaces lysine, which is basic and polar, with threonine, which is neutral and polar, at codon 158 of the BRIP1 protein (p.Lys158Thr). This variant is present in population databases (rs769364081, gnomAD 0.0009%). This variant has not been reported in the literature in individuals affected with BRIP1-related conditions. Invitae Evidence Modeling of protein sequence and biophysical properties (such as structural, functional, and spatial information, amino acid conservation, physicochemical variation, residue mobility, and thermodynamic stability) indicates that this missense variant is not expected to disrupt BRIP1 protein function with a negative predictive value of 95%. In summary, the available evidence is currently insufficient to determine the role of this variant in disease. Therefore, it has been classified as a Variant of Uncertain Significance.